The following is an entry in ClinVar:

ClinVar aggregate classification (germline): Uncertain significance (1 of 4 stars; one submission).

Allele frequency attached by ClinVar (database versions not stated): TOPMed 0.00001; gnomAD 0.00002.

Submission:

Labcorp Genetics (formerly Invitae), Labcorp
Classification: Uncertain significance. Last evaluated: 2023-09-30. Review status: criteria provided, single submitter. Criteria: Invitae Variant Classification Sherloc (09022015). Collection method: clinical testing. Allele origin: germline.
Comment: This sequence change replaces histidine, which is basic and polar, with tyrosine, which is neutral and polar, at codon 1038 of the TLR7 protein (p.His1038Tyr). This variant is present in population databases (no rsID available, gnomAD no frequency). This variant has not been reported in the literature in individuals affected with TLR7-related conditions. ClinVar contains an entry for this variant (Variation ID: 2096079). An algorithm developed to predict the effect of missense changes on protein structure and function (PolyPhen-2) suggests that this variant is likely to be disruptive. In summary, the available evidence is currently insufficient to determine the role of this variant in disease. Therefore, it has been classified as a Variant of Uncertain Significance.

NM_016562.4(TLR7):c.3112C>T (p.His1038Tyr)

Gene: TLR7 (toll like receptor 7; plus strand). Cytogenetic location: Xp22.2.
Variant type: single nucleotide variant.
Coding change: c.3112C>T on transcript NM_016562.4 (MANE Select); coding-DNA position 3112, C replaced by T.
Protein change: p.His1038Tyr; replaces histidine 1038 with tyrosine.
Molecular consequence: missense variant.
Genome position (GRCh38, 1-based): chrX:12,888,620, C>T. VCF-style: chrX-12888620-C-T. GRCh37 (hg19) VCF-style: chrX-12906739-C-T.
Other names: short protein forms H1038Y.
Identifiers: ClinVar variation 2096079 (VCV002096079.4), dbSNP rs1239156024, ClinGen allele CA412412315.